The following is an entry in ClinVar:

ClinVar aggregate classification (germline): Pathogenic (1 of 4 stars; one submission).

Conditions:
Gnathodiaphyseal dysplasia (GDD). Also called: GNATHODIAPHYSEAL SCLEROSIS; OSTEOGENESIS IMPERFECTA WITH UNUSUAL SKELETAL LESIONS. Identifiers: Orphanet 53697, MedGen C1833736, MONDO:0008151, OMIM 166260.
Autosomal recessive limb-girdle muscular dystrophy type 2L (LGMDR12). Also called: Limb-girdle muscular dystrophy, type 2L; MUSCULAR DYSTROPHY, LIMB-GIRDLE, AUTOSOMAL RECESSIVE 12; Limb-Girdle Muscular Dystrophy R12 Anoctamin-5-Related (LGMD-R12). Identifiers: Orphanet 206549, MedGen C1969785, MONDO:0012652, OMIM 611307.

gnomAD v4.1: 2 of 1,610,016 alleles (0.00012%); highest among the groups gnomAD compares: Non-Finnish European, 0.000085%; no homozygotes.

Submission:

Labcorp Genetics (formerly Invitae), Labcorp
Classification: Pathogenic for Autosomal recessive limb-girdle muscular dystrophy type 2L; Gnathodiaphyseal dysplasia. Last evaluated: 2025-07-31. Review status: criteria provided, single submitter. Criteria: Invitae Variant Classification Sherloc (09022015). Collection method: clinical testing. Allele origin: germline.
Comment: This sequence change creates a premature translational stop signal (p.Lys91*) in the ANO5 gene. It is expected to result in an absent or disrupted protein product. Loss-of-function variants in ANO5 are known to be pathogenic (PMID: 21186264, 23606453, 25891276, 30919934). This variant is present in population databases (rs371599321, gnomAD 0.007%). This variant has not been reported in the literature in individuals affected with ANO5-related conditions. For these reasons, this variant has been classified as Pathogenic.

Literature cited by the submitters: PubMed 21186264; PubMed 23606453; PubMed 25891276; PubMed 30919934.

NM_213599.3(ANO5):c.271A>T (p.Lys91Ter)

Gene: ANO5 (anoctamin 5; plus strand). Cytogenetic location: 11p14.3.
Variant type: single nucleotide variant.
Coding change: c.271A>T on transcript NM_213599.3 (MANE Select); coding-DNA position 271, A replaced by T.
Protein change: p.Lys91Ter; replaces lysine 91 with a stop codon.
Molecular consequence: nonsense.
Genome position (GRCh38, 1-based): chr11:22,221,187, A>T. VCF-style: chr11-22221187-A-T. GRCh37 (hg19) VCF-style: chr11-22242733-A-T.
Other names: c.178A>T, p.Lys60Ter (NM_001441296.1, NM_001441302.1); c.151A>T, p.Lys51Ter (NM_001441297.1); c.229A>T, p.Lys77Ter (NM_001441298.1, NM_001441300.1, NM_001410963.1); c.226A>T, p.Lys76Ter (NM_001441299.1, NM_001441301.1, NM_001410964.1); c.268A>T, p.Lys90Ter (NM_001142649.2); c.193A>T, p.Lys65Ter (NM_001441294.1); c.190A>T, p.Lys64Ter (NM_001441295.1); short protein forms K51*, K60*, K65*, K77*, K91*, K64*, K90*, K76*.
Identifiers: ClinVar variation 4793068 (VCV004793068.1).
Genomic context (GRCh38, chr11:22,221,187, plus strand): 5'-ATCTTCTTCCGAGATGGGATTAGGCAAATTGATTTTGTGCTTTCCTACGTTGATGATGTA[A>T]AGAAAGACGCAGAGTTAAAGGCGGTAAGTGCATTATAACAGAAGTGGGAATAATAAAAAG-3'